The following is an entry in ClinVar:

ClinVar aggregate classification (germline): Pathogenic (1 of 4 stars; one submission).

Submission:

GeneDx
Classification: Pathogenic. Last evaluated: 2020-06-18. Review status: criteria provided, single submitter. Criteria: GeneDx Variant Classification (06012015). Collection method: clinical testing. Allele origin: germline. Affected: yes.
Comment: Nonsense variant predicted to result in protein truncation or nonsense mediated decay in a gene for which loss-of-function is a known mechanism of disease. Not observed in large population cohorts (Lek et al., 2016). We interpret R56X as a pathogenic variant.

NM_014232.3(VAMP2):c.166C>T (p.Arg56Ter)

Gene: VAMP2 (vesicle associated membrane protein 2; minus strand). Cytogenetic location: 17p13.1.
Variant type: single nucleotide variant.
Coding change: c.166C>T on transcript NM_014232.3 (MANE Select); coding-DNA position 166, C replaced by T.
Protein change: p.Arg56Ter; replaces arginine 56 with a stop codon.
Molecular consequence: nonsense.
Genome position (GRCh38, 1-based): chr17:8,161,724, G>A on the plus strand (C>T on the coding strand, the complement: VAMP2 is on the minus strand). VCF-style: chr17-8161724-G-A. GRCh37 (hg19) VCF-style: chr17-8065042-G-A.
Other names: c.172C>T, p.Arg58Ter (NM_001330125.1); short protein forms R56*, R58*.
Identifiers: ClinVar variation 929460 (VCV000929460.1), dbSNP rs1289411487, ClinGen allele CA397965766.
Genomic context (GRCh38, chr17:8,161,724, plus strand): 5'-GGGAGGCCCCCGCCTGGAGTGCATCTGCACGGTCGTCCAGCTCCGACAGCTTCTGGTCTC[G>A]CTCCAGGACCTTGTCCACGTTCACCCTCATGATGTCCACCACCTGGGAGAAGGGCCCACG-3'